The following is an entry in ClinVar:

ClinVar aggregate classification (germline): Uncertain significance (1 of 4 stars; one submission).

Allele frequency attached by ClinVar (database versions not stated): gnomAD exomes 0.00002; ExAC 0.00002.
gnomAD v4.1: 5 of 1,614,024 alleles (0.00031%); highest among the groups gnomAD compares: East Asian, 0.0089%; no homozygotes.

Submission:

Labcorp Genetics (formerly Invitae), Labcorp
Classification: Uncertain significance. Last evaluated: 2025-08-21. Review status: criteria provided, single submitter. Criteria: Invitae Variant Classification Sherloc (09022015). Collection method: clinical testing. Allele origin: germline.
Comment: This sequence change replaces lysine, which is basic and polar, with asparagine, which is neutral and polar, at codon 453 of the TTLL5 protein (p.Lys453Asn). This variant is present in population databases (rs756685377, gnomAD 0.03%). This variant has not been reported in the literature in individuals affected with TTLL5-related conditions. ClinVar contains an entry for this variant (Variation ID: 1371906). Invitae Evidence Modeling of protein sequence and biophysical properties (such as structural, functional, and spatial information, amino acid conservation, physicochemical variation, residue mobility, and thermodynamic stability) indicates that this missense variant is not expected to disrupt TTLL5 protein function with a negative predictive value of 80%. In summary, the available evidence is currently insufficient to determine the role of this variant in disease. Therefore, it has been classified as a Variant of Uncertain Significance.

NM_015072.5(TTLL5):c.1359G>C (p.Lys453Asn)

Gene: TTLL5 (tubulin tyrosine ligase like 5; plus strand). Cytogenetic location: 14q24.3.
Variant type: single nucleotide variant.
Coding change: c.1359G>C on transcript NM_015072.5 (MANE Select); coding-DNA position 1359, G replaced by C.
Protein change: p.Lys453Asn; replaces lysine 453 with asparagine.
Molecular consequence: missense variant.
Genome position (GRCh38, 1-based): chr14:75,745,172, G>C. VCF-style: chr14-75745172-G-C. GRCh37 (hg19) VCF-style: chr14-76211515-G-C.
Other names: short protein forms K453N.
Identifiers: ClinVar variation 1371906 (VCV001371906.6), dbSNP rs756685377, ClinGen allele CA7279360.